The following is an entry in ClinVar:

NM_003907.3(EIF2B5):c.1781A>G (p.Gln594Arg)

Gene: EIF2B5 (eukaryotic translation initiation factor 2B subunit epsilon; plus strand). Cytogenetic location: 3q27.1.
Variant type: single nucleotide variant.
Coding change: c.1781A>G on transcript NM_003907.3 (MANE Select); coding-DNA position 1781, A replaced by G.
Protein change: p.Gln594Arg; replaces glutamine 594 with arginine.
Molecular consequence: missense variant.
Genome position (GRCh38, 1-based): chr3:184,143,477, A>G. VCF-style: chr3-184143477-A-G. GRCh37 (hg19) VCF-style: chr3-183861265-A-G.
Other names: short protein forms Q594R.
Identifiers: ClinVar variation 2160868 (VCV002160868.4), dbSNP rs2473671539, ClinGen allele CA355393189.

ClinVar aggregate classification (germline): Uncertain significance (1 of 4 stars; one submission).

Submission:

Labcorp Genetics (formerly Invitae), Labcorp
Classification: Uncertain significance. Last evaluated: 2025-03-17. Review status: criteria provided, single submitter. Criteria: Invitae Variant Classification Sherloc (09022015). Collection method: clinical testing. Allele origin: germline.
Comment: This sequence change replaces glutamine, which is neutral and polar, with arginine, which is basic and polar, at codon 594 of the EIF2B5 protein (p.Gln594Arg). This variant is not present in population databases (gnomAD no frequency). This variant has not been reported in the literature in individuals affected with EIF2B5-related conditions. ClinVar contains an entry for this variant (Variation ID: 2160868). Invitae Evidence Modeling of protein sequence and biophysical properties (such as structural, functional, and spatial information, amino acid conservation, physicochemical variation, residue mobility, and thermodynamic stability) indicates that this missense variant is not expected to disrupt EIF2B5 protein function with a negative predictive value of 80%. In summary, the available evidence is currently insufficient to determine the role of this variant in disease. Therefore, it has been classified as a Variant of Uncertain Significance.